The following is an entry in ClinVar:

ClinVar aggregate classification (germline): Uncertain significance. Review status: criteria provided, single submitter (1 of 4 stars). 2 submissions from 2 submitters: Uncertain significance (1). 1 of the submissions does not count toward it. Last evaluated 2019-10-25.

Conditions:
Cohen syndrome (COH1). Also called: Cutis verticis gyrata, retinitis pigmentosa, and sensorineural deafness; PEPPER SYNDROME. Identifiers: Orphanet 193, MedGen C0265223, MONDO:0008999, OMIM 216550.

Allele frequency attached by ClinVar (database versions not stated): gnomAD exomes below 0.00001; TOPMed below 0.00001; gnomAD 0.00001.
gnomAD v4.1: 6 of 1,613,972 alleles (0.00037%); highest among the groups gnomAD compares: Non-Finnish European, 0.00051%; no homozygotes.

Submissions (2):

Labcorp Genetics (formerly Invitae), Labcorp
Classification: Uncertain significance for Cohen syndrome. Last evaluated: 2019-10-25. Review status: criteria provided, single submitter. Criteria: Invitae Variant Classification Sherloc (09022015). Collection method: clinical testing. Allele origin: germline.
Comment: This sequence change replaces tyrosine with cysteine at codon 3855 of the VPS13B protein (p.Tyr3855Cys). The tyrosine residue is moderately conserved and there is a large physicochemical difference between tyrosine and cysteine. This variant is not present in population databases (ExAC no frequency). This variant has not been reported in the literature in individuals with VPS13B-related conditions. In summary, the available evidence is currently insufficient to determine the role of this variant in disease. Therefore, it has been classified as a Variant of Uncertain Significance. Algorithms developed to predict the effect of missense changes on protein structure and function are either unavailable or do not agree on the potential impact of this missense change (SIFT: "Deleterious"; PolyPhen-2: "Possibly Damaging"; Align-GVGD: "Class C0").

Natera, Inc.
Classification: Uncertain significance for Cohen syndrome. Last evaluated: 2020-09-02. Review status: no assertion criteria provided. Collection method: clinical testing. Allele origin: germline. Not counted in ClinVar's aggregate classification.

NM_152564.5(VPS13B):c.11489A>G (p.Tyr3830Cys)

Gene: VPS13B (vacuolar protein sorting 13 homolog B; plus strand). Cytogenetic location: 8q22.2.
Variant type: single nucleotide variant.
Coding change: c.11489A>G on transcript NM_152564.5 (MANE Select); coding-DNA position 11489, A replaced by G.
Protein change: p.Tyr3830Cys; replaces tyrosine 3830 with cysteine.
Molecular consequence: missense variant.
Genome position (GRCh38, 1-based): chr8:99,870,881, A>G. VCF-style: chr8-99870881-A-G. GRCh37 (hg19) VCF-style: chr8-100883109-A-G.
Other names: c.11564A>G, p.Tyr3855Cys (NM_017890.5); short protein forms Y3830C, Y3855C.
Identifiers: ClinVar variation 972474 (VCV000972474.11), dbSNP rs1354835040, ClinGen allele CA371793747.